The following is an entry in ClinVar:

ClinVar aggregate classification (germline): Uncertain significance (1 of 4 stars; one submission).

Submission:

Labcorp Genetics (formerly Invitae), Labcorp
Classification: Uncertain significance. Last evaluated: 2022-08-13. Review status: criteria provided, single submitter. Criteria: Invitae Variant Classification Sherloc (09022015). Collection method: clinical testing. Allele origin: germline.
Comment: In summary, the available evidence is currently insufficient to determine the role of this variant in disease. Therefore, it has been classified as a Variant of Uncertain Significance. Algorithms developed to predict the effect of missense changes on protein structure and function are either unavailable or do not agree on the potential impact of this missense change (SIFT: "Deleterious"; PolyPhen-2: "Possibly Damaging"; Align-GVGD: "Class C0"). This variant has not been reported in the literature in individuals affected with SIN3A-related conditions. This variant is not present in population databases (gnomAD no frequency). This sequence change replaces glutamic acid, which is acidic and polar, with lysine, which is basic and polar, at codon 647 of the SIN3A protein (p.Glu647Lys).

NM_001145358.2(SIN3A):c.1939G>A (p.Glu647Lys)

Gene: SIN3A (SIN3 transcription regulator family member A; minus strand). Cytogenetic location: 15q24.2.
Variant type: single nucleotide variant.
Coding change: c.1939G>A on transcript NM_001145358.2 (MANE Select); coding-DNA position 1939, G replaced by A.
Protein change: p.Glu647Lys; replaces glutamic acid 647 with lysine.
Molecular consequence: missense variant.
Genome position (GRCh38, 1-based): chr15:75,396,412, C>T on the plus strand (G>A on the coding strand, the complement: SIN3A is on the minus strand). VCF-style: chr15-75396412-C-T. GRCh37 (hg19) VCF-style: chr15-75688753-C-T.
Other names: c.1939G>A, p.Glu647Lys (NM_001145357.2, NM_015477.3); short protein forms E647K.
Identifiers: ClinVar variation 1977578 (VCV001977578.5), dbSNP rs2542611427, ClinGen allele CA393495422.